The following is an entry in ClinVar:

ClinVar aggregate classification (germline): Uncertain significance (1 of 4 stars; one submission).

Conditions:
Hereditary cancer-predisposing syndrome. Also called: Tumor predisposition; Neoplastic Syndromes, Hereditary; Hereditary Cancer Syndrome; Hereditary neoplastic syndrome. Identifiers: Orphanet 140162, MedGen C0027672, MeSH D009386, MONDO:0015356.

Submission:

Ambry Genetics
Classification: Uncertain significance for Hereditary cancer-predisposing syndrome. Last evaluated: 2024-12-01. Review status: criteria provided, single submitter. Criteria: Ambry Variant Classification Scheme 2023. Collection method: clinical testing. Allele origin: germline.
Comment: The p.V1060A variant (also known as c.3179T>C), located in coding exon 19 of the BRIP1 gene, results from a T to C substitution at nucleotide position 3179. The valine at codon 1060 is replaced by alanine, an amino acid with similar properties. This amino acid position is conserved. In addition, this alteration is predicted to be tolerated by in silico analysis. Based on the available evidence, the clinical significance of this variant remains unclear.

NM_032043.3(BRIP1):c.3179T>C (p.Val1060Ala)

Gene: BRIP1 (BRCA1 interacting DNA helicase 1; minus strand). Cytogenetic location: 17q23.2.
Variant type: single nucleotide variant.
Coding change: c.3179T>C on transcript NM_032043.3 (MANE Select); coding-DNA position 3179, T replaced by C.
Protein change: p.Val1060Ala; replaces valine 1060 with alanine.
Molecular consequence: missense variant.
Genome position (GRCh38, 1-based): chr17:61,683,867, A>G on the plus strand (T>C on the coding strand, the complement: BRIP1 is on the minus strand). VCF-style: chr17-61683867-A-G. GRCh37 (hg19) VCF-style: chr17-59761228-A-G.
Other names: short protein forms V1060A.
Identifiers: ClinVar variation 3482420 (VCV003482420.1).